The following is an entry in ClinVar:

ClinVar aggregate classification (germline): Likely benign (1 of 4 stars; one submission).

Conditions:
OPTN-related disorder. Also called: OPTN-related disorders; OPTN-related condition.

Submission:

PreventionGenetics, part of Exact Sciences
Classification: Likely benign for OPTN-related condition. Last evaluated: 2026-08-06. Review status: criteria provided, single submitter. Criteria: ACMG Guidelines, 2015. Collection method: clinical testing. Allele origin: germline.
Comment: This variant is classified as likely benign based on ACMG/AMP sequence variant interpretation guidelines (Richards et al. 2015 PMID: 25741868, with internal and published modifications).

NM_001008212.2(OPTN):c.762C>G (p.Leu254=)

Gene: OPTN (optineurin; plus strand). Cytogenetic location: 10p13.
Variant type: single nucleotide variant.
Coding change: c.762C>G on transcript NM_001008212.2 (MANE Select); coding-DNA position 762, C replaced by G.
Protein change: p.Leu254=; no amino-acid change (leucine 254 retained).
Molecular consequence: synonymous variant.
Genome position (GRCh38, 1-based): chr10:13,119,023, C>G. VCF-style: chr10-13119023-C-G. GRCh37 (hg19) VCF-style: chr10-13161023-C-G.
Other names: c.762C>G, p.Leu254= (NM_001008211.1, NM_001008213.1, NM_021980.4).
Identifiers: ClinVar variation 4997276 (VCV004997276.1).